The following is an entry in ClinVar:

NM_018474.6(KIZ):c.1865G>C (p.Gly622Ala)

Gene: KIZ (kizuna centrosomal protein; plus strand). Cytogenetic location: 20p11.23.
Variant type: single nucleotide variant.
Coding change: c.1865G>C on transcript NM_018474.6 (MANE Select); coding-DNA position 1865, G replaced by C.
Protein change: p.Gly622Ala; replaces glycine 622 with alanine.
Molecular consequence: missense variant.
Genome position (GRCh38, 1-based): chr20:21,232,815, G>C. VCF-style: chr20-21232815-G-C. GRCh37 (hg19) VCF-style: chr20-21213453-G-C.
Other names: c.1556G>C, p.Gly519Ala (NM_001163022.3); c.1466G>C, p.Gly489Ala (NM_001163023.3); c.1718G>C, p.Gly573Ala (NM_001276389.2); c.1811G>C, p.Gly604Ala (NM_001352434.2); c.1502G>C, p.Gly501Ala (NM_001352435.2); c.1523G>C, p.Gly508Ala (NM_001352436.2); short protein forms G489A, G519A, G622A, G604A, G501A, G508A, G573A.
Identifiers: ClinVar variation 2095692 (VCV002095692.4), dbSNP rs2514899221, ClinGen allele CA408495630.

ClinVar aggregate classification (germline): Uncertain significance (1 of 4 stars; one submission).

Allele frequency attached by ClinVar (database versions not stated): gnomAD exomes below 0.00001.
gnomAD v4.1: 2 of 1,535,372 alleles (0.00013%); highest among the groups gnomAD compares: Non-Finnish European, 0.00018%; no homozygotes.

Submission:

Labcorp Genetics (formerly Invitae), Labcorp
Classification: Uncertain significance. Last evaluated: 2022-02-09. Review status: criteria provided, single submitter. Criteria: Invitae Variant Classification Sherloc (09022015). Collection method: clinical testing. Allele origin: germline.
Comment: This variant has not been reported in the literature in individuals affected with KIZ-related conditions. In summary, the available evidence is currently insufficient to determine the role of this variant in disease. Therefore, it has been classified as a Variant of Uncertain Significance. Experimental studies and prediction algorithms are not available or were not evaluated, and the functional significance of this variant is currently unknown. This variant is not present in population databases (gnomAD no frequency). This sequence change replaces glycine, which is neutral and non-polar, with alanine, which is neutral and non-polar, at codon 622 of the KIZ protein (p.Gly622Ala).